The following is an entry in ClinVar:

NM_000179.3(MSH6):c.4057T>G (p.Leu1353Val)

Gene: MSH6 (mutS homolog 6; plus strand). Cytogenetic location: 2p16.3.
Variant type: single nucleotide variant.
Coding change: c.4057T>G on transcript NM_000179.3 (MANE Select); coding-DNA position 4057, T replaced by G.
Protein change: p.Leu1353Val; replaces leucine 1353 with valine.
Molecular consequence: missense variant.
Genome position (GRCh38, 1-based): chr2:47,806,834, T>G. VCF-style: chr2-47806834-T-G. GRCh37 (hg19) VCF-style: chr2-48033973-T-G.
Other names: c.3667T>G, p.Leu1223Val (NM_001281492.2); c.3151T>G, p.Leu1051Val (NM_001281493.2, NM_001281494.2); short protein forms L1051V, L1223V, L1353V.
Identifiers: ClinVar variation 1396527 (VCV001396527.10), dbSNP rs2104583838, ClinGen allele CA346761730.

ClinVar aggregate classification (germline): Uncertain significance. Review status: criteria provided, multiple submitters, no conflicts (2 of 4 stars). 2 submissions from 2 submitters: Uncertain significance (2). Last evaluated 2021-05-19.

Conditions:
Hereditary nonpolyposis colorectal neoplasms. Identifiers: MedGen C0009405, MeSH D003123.
Hereditary cancer-predisposing syndrome. Also called: Neoplastic Syndromes, Hereditary; Hereditary neoplastic syndrome; Tumor predisposition; Hereditary Cancer Syndrome. Identifiers: Orphanet 140162, MedGen C0027672, MeSH D009386, MONDO:0015356.

Submissions (2):

Labcorp Genetics (formerly Invitae), Labcorp
Classification: Uncertain significance for Hereditary nonpolyposis colorectal neoplasms. Last evaluated: 2021-05-19. Review status: criteria provided, single submitter. Criteria: Invitae Variant Classification Sherloc (09022015). Collection method: clinical testing. Allele origin: germline.
Comment: This sequence change replaces leucine with valine at codon 1353 of the MSH6 protein (p.Leu1353Val). The leucine residue is moderately conserved and there is a small physicochemical difference between leucine and valine. This variant is not present in population databases (ExAC no frequency). This variant has not been reported in the literature in individuals with MSH6-related conditions. Advanced modeling of protein sequence and biophysical properties (such as structural, functional, and spatial information, amino acid conservation, physicochemical variation, residue mobility, and thermodynamic stability) performed at Invitae indicates that this missense variant is not expected to disrupt MSH6 protein function. In summary, the available evidence is currently insufficient to determine the role of this variant in disease. Therefore, it has been classified as a Variant of Uncertain Significance.

Ambry Genetics
Classification: Uncertain significance for Hereditary cancer-predisposing syndrome. Last evaluated: 2020-11-18. Review status: criteria provided, single submitter. Criteria: Ambry Variant Classification Scheme 2023. Collection method: clinical testing. Allele origin: germline.
Comment: The p.L1353V variant (also known as c.4057T>G), located in coding exon 10 of the MSH6 gene, results from a T to G substitution at nucleotide position 4057. The leucine at codon 1353 is replaced by valine, an amino acid with highly similar properties. This amino acid position is highly conserved in available vertebrate species. In addition, the in silico prediction for this alteration is inconclusive. Since supporting evidence is limited at this time, the clinical significance of this alteration remains unclear.